The following is an entry in ClinVar:

NM_000219.6(KCNE1):c.367C>G (p.Pro123Ala)

Gene: KCNE1 (potassium voltage-gated channel subfamily E regulatory subunit 1; minus strand). Cytogenetic location: 21q22.12.
Variant type: single nucleotide variant.
Coding change: c.367C>G on transcript NM_000219.6 (MANE Select); coding-DNA position 367, C replaced by G.
Protein change: p.Pro123Ala; replaces proline 123 with alanine.
Molecular consequence: missense variant.
Genome position (GRCh38, 1-based): chr21:34,449,268, G>C on the plus strand (C>G on the coding strand, the complement: KCNE1 is on the minus strand). VCF-style: chr21-34449268-G-C. GRCh37 (hg19) VCF-style: chr21-35821566-G-C.
Other names: c.367C>G, p.Pro123Ala (NM_001127668.4, NM_001127669.4, NM_001127670.4 and 4 more transcripts); short protein forms P123A.
Identifiers: ClinVar variation 3373833 (VCV003373833.2).

Conditions:
Long QT syndrome 5 (LQT5). Identifiers: Orphanet 101016, Orphanet 768, MedGen C1867904, MONDO:0013372, OMIM 613695.

Submission:

Roden Lab, Vanderbilt University Medical Center
No classification provided (evidence only). Condition: Long QT syndrome 5. Review status: no classification provided. Collection method: in vitro. Allele origin: not applicable. Functional consequence: Effect on ion channel function.
ClinVar note: "not provided" was previously submitted as the classification for the variant. However, the classification appeared to be based only on an observation of functional data so it was converted to no classification on 2025-07-30.